The following is an entry in ClinVar:

ClinVar aggregate classification (germline): Conflicting classifications of pathogenicity. Review status: criteria provided, conflicting classifications (1 of 4 stars). 4 submissions from 4 submitters: Uncertain significance (2); Likely benign (2). Last evaluated 2025-10-01.

Conditions:
Hereditary breast ovarian cancer syndrome. Also called: Breast and ovarian cancer; Hereditary breast and ovarian cancer syndrome (HBOC); Hereditary breast and/or ovarian cancer syndrome; BRCA1- and BRCA2-Associated Hereditary Breast and Ovarian Cancer; Hereditary breast and ovarian cancer; Hereditary breast and ovarian cancer syndrome. Identifiers: Orphanet 145, MedGen C0677776, MeSH D061325, MONDO:0003582. Disease mechanism: loss of function.
Hereditary cancer-predisposing syndrome. Also called: Hereditary Cancer Syndrome; Neoplastic Syndromes, Hereditary; Hereditary neoplastic syndrome; Tumor predisposition. Identifiers: Orphanet 140162, MedGen C0027672, MeSH D009386, MONDO:0015356.
Breast-ovarian cancer, familial, susceptibility to, 2 (BROVCA2). Also called: BRCA2 Hereditary Breast and Ovarian Cancer. Identifiers: Orphanet 145, MedGen C2675520, MONDO:0012933, OMIM 612555. Disease mechanism: loss of function.

Submissions (4):

Ambry Genetics
Classification: Likely benign for Hereditary cancer-predisposing syndrome. Last evaluated: 2025-10-01. Review status: criteria provided, single submitter. Criteria: Ambry Variant Classification Scheme 2023. Collection method: clinical testing. Allele origin: germline.

University of Washington Department of Laboratory Medicine, University of Washington
Classification: Likely benign for Hereditary cancer-predisposing syndrome. Last evaluated: 2023-03-23. Review status: criteria provided, single submitter. Criteria: Dines et al. (Genet Med. 2020). Collection method: curation. Allele origin: germline.
Comment: Missense variant in a coldspot region where missense variants are very unlikely to be pathogenic (PMID:31911673).

BRCA2 exon 11 coldspot. Reclassification based on statistical prior probability.

Labcorp Genetics (formerly Invitae), Labcorp
Classification: Uncertain significance for Hereditary breast ovarian cancer syndrome. Last evaluated: 2019-06-03. Review status: criteria provided, single submitter. Criteria: Invitae Variant Classification Sherloc (09022015). Collection method: clinical testing. Allele origin: germline.
Comment: In summary, the available evidence is currently insufficient to determine the role of this variant in disease. Therefore, it has been classified as a Variant of Uncertain Significance. Algorithms developed to predict the effect of missense changes on protein structure and function are either unavailable or do not agree on the potential impact of this missense change (SIFT: "Tolerated"; PolyPhen-2: "Possibly Damaging"; Align-GVGD: "Class C0"). This variant has been observed in an individua affected with ovarian cancer (PMID: 30606148). This variant is not present in population databases (ExAC no frequency). This sequence change replaces asparagine with aspartic acid at codon 1377 of the BRCA2 protein (p.Asn1377Asp). The asparagine residue is moderately conserved and there is a small physicochemical difference between asparagine and aspartic acid.

Mendelics
Classification: Uncertain significance for Breast-ovarian cancer, familial, susceptibility to, 2. Last evaluated: 2019-05-28. Review status: criteria provided, single submitter. Criteria: Mendelics Assertion Criteria 2017. Collection method: clinical testing. Allele origin: unknown.

Literature cited by the submitters: PubMed 30606148 (cited by Labcorp Genetics (formerly Invitae), Labcorp).

NM_000059.4(BRCA2):c.4129A>G (p.Asn1377Asp)

Gene: BRCA2 (BRCA2 DNA repair associated; plus strand). Cytogenetic location: 13q13.1.
Variant type: single nucleotide variant.
Coding change: c.4129A>G on transcript NM_000059.4 (MANE Select); coding-DNA position 4129, A replaced by G.
Protein change: p.Asn1377Asp; replaces asparagine 1377 with aspartic acid.
Molecular consequence: missense variant.
Genome position (GRCh38, 1-based): chr13:32,338,484, A>G. VCF-style: chr13-32338484-A-G. GRCh37 (hg19) VCF-style: chr13-32912621-A-G.
Other names: short protein forms N1377D.
Identifiers: ClinVar variation 802930 (VCV000802930.13), dbSNP rs1593901487, ClinGen allele CA387779364.
Genomic context (GRCh38, chr13:32,338,484, plus strand): 5'-CTATTTACTGATCAGCACAACATATGTCTTAAATTATCTGGCCAGTTTATGAAGGAGGGA[A>G]ACACTCAGATTAAAGAAGATTTGTCAGATTTAACTTTTTTGGAAGTTGCGAAAGCTCAAG-3'
Protein context (NP_000050.3, residues 1367-1387): KLSGQFMKEG[Asn1377Asp]TQIKEDLSDL